The following is an entry in ClinVar:

ClinVar aggregate classification (germline): Likely benign (0 of 4 stars; one submission).

Conditions:
SCN11A-related disorder. Also called: SCN11A-related condition.

Allele frequency attached by ClinVar (database versions not stated): gnomAD exomes below 0.00001; TOPMed 0.00001.
gnomAD v4.1: 1 of 1,614,180 alleles (0.000062%); highest among the groups gnomAD compares: African/African-American, 0.0013%; no homozygotes.

Submission:

PreventionGenetics, part of Exact Sciences
Classification: Likely benign for SCN11A-related condition. Last evaluated: 2020-02-17. Review status: no assertion criteria provided. Collection method: clinical testing. Allele origin: germline.
Comment: This variant is classified as likely benign based on ACMG/AMP sequence variant interpretation guidelines (Richards et al. 2015 PMID: 25741868, with internal and published modifications).

NM_001349253.2(SCN11A):c.4779C>T (p.Leu1593=)

Gene: SCN11A (sodium voltage-gated channel alpha subunit 11; minus strand). Cytogenetic location: 3p22.2.
Variant type: single nucleotide variant.
Coding change: c.4779C>T on transcript NM_001349253.2 (MANE Select); coding-DNA position 4779, C replaced by T.
Protein change: p.Leu1593=; no amino-acid change (leucine 1593 retained).
Molecular consequence: synonymous variant.
Genome position (GRCh38, 1-based): chr3:38,847,291, G>A on the plus strand (C>T on the coding strand, the complement: SCN11A is on the minus strand). VCF-style: chr3-38847291-G-A. GRCh37 (hg19) VCF-style: chr3-38888782-G-A.
Other names: c.4779C>T, p.Leu1593= (NM_014139.3).
Identifiers: ClinVar variation 3051530 (VCV003051530.2), dbSNP rs1289147276, ClinGen allele CA433335749.